The following is an entry in ClinVar:

ClinVar aggregate classification (germline): Pathogenic (1 of 4 stars; one submission).

Conditions:
Multiple congenital exostosis (EXT). Also called: MULTIPLE CARTILAGINOUS EXOSTOSES; Multiple osteochondromas; Hereditary multiple exostoses; Hereditary multiple exostosis; Multiple exostoses; Hereditary multiple osteochondromas. Identifiers: Orphanet 321, MedGen C0015306, MONDO:0005508, HP:0002762.

Submission:

Labcorp Genetics (formerly Invitae), Labcorp
Classification: Pathogenic for Multiple congenital exostosis. Last evaluated: 2020-01-27. Review status: criteria provided, single submitter. Criteria: Invitae Variant Classification Sherloc (09022015). Collection method: clinical testing. Allele origin: germline.
Comment: This sequence change creates a premature translational stop signal (p.Trp582*) in the EXT1 gene. It is expected to result in an absent or disrupted protein product. This variant is not present in population databases (ExAC no frequency). This variant has been observed in individuals affected with multiple osteochondromas (PMID: 11432960, 17041877, 19810120). Loss-of-function variants in EXT1 are known to be pathogenic (PMID: 10679937, 11391482, 19810120). For these reasons, this variant has been classified as Pathogenic.

Literature cited by the submitters: PubMed 11432960; PubMed 17041877; PubMed 19810120; PubMed 10679937; PubMed 11391482.

NM_000127.3(EXT1):c.1745G>A (p.Trp582Ter)

Gene: EXT1 (exostosin glycosyltransferase 1; minus strand). Cytogenetic location: 8q24.11.
Variant type: single nucleotide variant.
Coding change: c.1745G>A on transcript NM_000127.3 (MANE Select); coding-DNA position 1745, G replaced by A.
Protein change: p.Trp582Ter; replaces tryptophan 582 with a stop codon.
Molecular consequence: nonsense.
Genome position (GRCh38, 1-based): chr8:117,807,355, C>T on the plus strand (G>A on the coding strand, the complement: EXT1 is on the minus strand). VCF-style: chr8-117807355-C-T. GRCh37 (hg19) VCF-style: chr8-118819594-C-T.
Other names: short protein forms W582*.
Identifiers: ClinVar variation 659880 (VCV000659880.10), dbSNP rs1586990402, ClinGen allele CA371878593.
Genomic context (GRCh38, chr8:117,807,355, plus strand): 5'-GAGTTATCCCAGAAGTGGCTGCGCGCGGGGTACCCCACAATCCTCTCAGGGAAGCTCTGC[C>T]ACACTGTGAAGGCGAAATCCACCTGCAGGCAGAACACAAGCCAAACAAGCAATCAACAGT-3'